The following is an entry in ClinVar:

ClinVar aggregate classification (germline): Pathogenic/Likely pathogenic. Review status: criteria provided, multiple submitters, no conflicts (2 of 4 stars). 3 submissions from 3 submitters: Pathogenic (2); Likely pathogenic (1). Last evaluated 2024-03-27.

Conditions:
Junctional epidermolysis bullosa. Identifiers: Orphanet 305, MedGen C0079301, MONDO:0017612.
Epidermolysis bullosa, junctional 3A, intermediate. Also called: EPIDERMOLYSIS BULLOSA, JUNCTIONAL 3A, GENERALIZED INTERMEDIATE; EPIDERMOLYSIS BULLOSA, JUNCTIONAL 3A, NON-HERLITZ TYPE. Identifiers: MedGen C5676938, MONDO:0030748, OMIM 619785.
Epidermolysis bullosa, junctional 3B, severe. Also called: EPIDERMOLYSIS BULLOSA, JUNCTIONAL 3B, GENERALIZED SEVERE; EPIDERMOLYSIS BULLOSA, JUNCTIONAL 3B, HERLITZ TYPE. Identifiers: MedGen C5676939, MONDO:0030749, OMIM 619786.

Submissions (3):

Fulgent Genetics
Classification: Likely pathogenic for Epidermolysis bullosa, junctional 3A, intermediate; Epidermolysis bullosa, junctional 3B, severe. Last evaluated: 2024-03-27. Review status: criteria provided, single submitter. Criteria: ACMG Guidelines, 2015. Collection method: clinical testing. Allele origin: germline.

Labcorp Genetics (formerly Invitae), Labcorp
Classification: Pathogenic. Last evaluated: 2023-08-11. Review status: criteria provided, single submitter. Criteria: Invitae Variant Classification Sherloc (09022015). Collection method: clinical testing. Allele origin: germline.
Comment: This sequence change creates a premature translational stop signal (p.Gln692*) in the LAMC2 gene. It is expected to result in an absent or disrupted protein product. Loss-of-function variants in LAMC2 are known to be pathogenic (PMID: 11907499, 16473856). This variant is not present in population databases (gnomAD no frequency). This variant has not been reported in the literature in individuals affected with LAMC2-related conditions. ClinVar contains an entry for this variant (Variation ID: 1048072). For these reasons, this variant has been classified as Pathogenic.

Biomedical Innovation Departament, CIEMAT
Classification: Pathogenic for Epidermolysis bullosa junctionalis. Last evaluated: 2017-05-24. Review status: criteria provided, single submitter. Criteria: ACMG Guidelines, 2015. Collection method: research. Allele origin: germline. Affected: yes. Observed: 1 variant allele.

Literature cited by the submitters: PubMed 11907499 (cited by Labcorp Genetics (formerly Invitae), Labcorp); PubMed 16473856 (cited by Labcorp Genetics (formerly Invitae), Labcorp).

NM_005562.3(LAMC2):c.2074C>T (p.Gln692Ter)

Gene: LAMC2 (laminin subunit gamma 2; plus strand). Cytogenetic location: 1q25.3.
Variant type: single nucleotide variant.
Coding change: c.2074C>T on transcript NM_005562.3 (MANE Select); coding-DNA position 2074, C replaced by T.
Protein change: p.Gln692Ter; replaces glutamine 692 with a stop codon.
Molecular consequence: nonsense.
Genome position (GRCh38, 1-based): chr1:183,232,711, C>T. VCF-style: chr1-183232711-C-T. GRCh37 (hg19) VCF-style: chr1-183201846-C-T.
Other names: c.2074C>T, p.Gln692Ter (NM_018891.3); short protein forms Q692*.
Identifiers: ClinVar variation 1048072 (VCV001048072.6), dbSNP rs1659836821, ClinGen allele CA343693105.
Genomic context (GRCh38, chr1:183,232,711, plus strand): 5'-GGTGCTAGCAGATCCCTTGGTCTCCAGTTGGCCAAGGTGAGGAGCCAAGAGAACAGCTAC[C>T]AGAGCCGCCTGGATGACCTCAAGATGACTGTGGAAAGAGTTCGGGCTCTGGGAAGTCAGT-3'